The following is an entry in ClinVar:

ClinVar aggregate classification (germline): Uncertain significance (1 of 4 stars; one submission).

Allele frequency attached by ClinVar (database versions not stated): gnomAD 0.00001; TOPMed 0.00001; gnomAD exomes 0.00002.
gnomAD v4.1: 27 of 1,608,656 alleles (0.0017%); highest among the groups gnomAD compares: Non-Finnish European, 0.002%; no homozygotes.

Submission:

Labcorp Genetics (formerly Invitae), Labcorp
Classification: Uncertain significance. Last evaluated: 2022-06-27. Review status: criteria provided, single submitter. Criteria: Invitae Variant Classification Sherloc (09022015). Collection method: clinical testing. Allele origin: germline.
Comment: This sequence change replaces asparagine, which is neutral and polar, with aspartic acid, which is acidic and polar, at codon 1280 of the MYO5B protein (p.Asn1280Asp). This variant is not present in population databases (gnomAD no frequency). This variant has not been reported in the literature in individuals affected with MYO5B-related conditions. Algorithms developed to predict the effect of missense changes on protein structure and function (SIFT, PolyPhen-2, Align-GVGD) all suggest that this variant is likely to be tolerated. In summary, the available evidence is currently insufficient to determine the role of this variant in disease. Therefore, it has been classified as a Variant of Uncertain Significance.

NM_001080467.3(MYO5B):c.3838A>G (p.Asn1280Asp)

Gene: MYO5B (myosin VB; minus strand). Cytogenetic location: 18q21.1.
Variant type: single nucleotide variant.
Coding change: c.3838A>G on transcript NM_001080467.3 (MANE Select); coding-DNA position 3838, A replaced by G.
Protein change: p.Asn1280Asp; replaces asparagine 1280 with aspartic acid.
Molecular consequence: missense variant.
Genome position (GRCh38, 1-based): chr18:49,864,146, T>C on the plus strand (A>G on the coding strand, the complement: MYO5B is on the minus strand). VCF-style: chr18-49864146-T-C. GRCh37 (hg19) VCF-style: chr18-47390516-T-C.
Other names: short protein forms N1280D.
Identifiers: ClinVar variation 1936817 (VCV001936817.2), dbSNP rs2024365984, ClinGen allele CA402427403.
Genomic context (GRCh38, chr18:49,864,146, plus strand): 5'-TCTACCACCTAGGGTCACCCCTCGGCAGCCCCACCGCGGGCCGCCATCTTGTTACCGCGT[T>C]CCTGCCGGCGAGTCGCCGCTGGTCGGCGCTCACGATCTGGGTCCTGAGGATGAGCACCTC-3'
Protein context (NP_001073936.1, residues 1270-1290): SADQRRLAGR[Asn1280Asp]AEPNINARSS